The following is an entry in ClinVar:

NM_000092.5(COL4A4):c.4578C>T (p.Asn1526=)

Gene: COL4A4 (collagen type IV alpha 4 chain; minus strand). Cytogenetic location: 2q36.3.
Variant type: single nucleotide variant.
Coding change: c.4578C>T on transcript NM_000092.5 (MANE Select); coding-DNA position 4578, C replaced by T.
Protein change: p.Asn1526=; no amino-acid change (asparagine 1526 retained).
Molecular consequence: synonymous variant.
Genome position (GRCh38, 1-based): chr2:227,008,249, G>A on the plus strand (C>T on the coding strand, the complement: COL4A4 is on the minus strand). VCF-style: chr2-227008249-G-A. GRCh37 (hg19) VCF-style: chr2-227872965-G-A.
Identifiers: ClinVar variation 499781 (VCV000499781.24), dbSNP rs202109186, ClinGen allele CA2144119.

ClinVar aggregate classification (germline): Conflicting classifications of pathogenicity. Review status: criteria provided, conflicting classifications (1 of 4 stars). 4 submissions from 4 submitters: Uncertain significance (3); Likely benign (1). Last evaluated 2026-09-01.

Conditions:
COL4A4-related disorder.

Allele frequency attached by ClinVar (database versions not stated): gnomAD exomes 0.00004 and 0.00018; gnomAD 0.00005; ESP Exome Variant Server 0.00008; TOPMed 0.00009; ExAC 0.00012.
gnomAD v4.1: 63 of 1,614,138 alleles (0.0039%); highest among the groups gnomAD compares: Admixed American, 0.077%; no homozygotes.

Submissions (4):

GeneDx
Classification: Uncertain significance. Last evaluated: 2026-09-01. Review status: criteria provided, single submitter. Criteria: GeneDx Variant Classification Process June 2021. Collection method: clinical testing. Allele origin: germline.
Comment: Has not been previously published as pathogenic or benign to our knowledge; In silico analysis suggests this variant may impact gene splicing. In the absence of RNA/functional studies, the actual effect of this sequence change is unknown.

PreventionGenetics, part of Exact Sciences
Classification: Uncertain significance for COL4A4-related condition. Last evaluated: 2026-06-30. Review status: criteria provided, single submitter. Criteria: ACMG Guidelines, 2015. Collection method: clinical testing. Allele origin: germline.
Comment: The COL4A4 c.4578C>T variant is not predicted to result in an amino acid change (p.=). This variant is predicted to alter splicing based on available splicing prediction programs (SpliceAI, Jaganathan et al. 2019. PubMed ID: 30661751). However, the use of computer prediction programs is not equivalent to functional evidence. To our knowledge, this variant has not been reported in the literature. This variant is reported in 0.11% of alleles in individuals of Latino descent in gnomAD, which may be too frequent to be a primary cause of an autosomal dominanat disease. At this time, the clinical significance of this variant is uncertain due to the absence of conclusive functional and genetic evidence.

Labcorp Genetics (formerly Invitae), Labcorp
Classification: Likely benign. Last evaluated: 2026-01-28. Review status: criteria provided, single submitter. Criteria: Invitae Variant Classification Sherloc (09022015). Collection method: clinical testing. Allele origin: germline.

Eurofins Ntd Llc (ga)
Classification: Uncertain significance. Last evaluated: 2017-03-01. Review status: criteria provided, single submitter. Criteria: EGL Classification Definitions 2015. Collection method: clinical testing. Allele origin: germline. Observed: 1 variant allele, 1 heterozygote.